The following is an entry in ClinVar:

ClinVar aggregate classification (germline): Likely benign. Review status: criteria provided, multiple submitters, no conflicts (2 of 4 stars). 2 submissions from 2 submitters: Likely benign (2). Last evaluated 2026-05-01.

Conditions:
Amyotrophic lateral sclerosis type 21. Also called: VOCAL CORD AND PHARYNGEAL DYSFUNCTION WITH DISTAL MYOPATHY; MYOPATHY, DISTAL, 2. Identifiers: Orphanet 600, Orphanet 803, MedGen C3807521, MONDO:0011632, OMIM 606070.

Submissions (2):

CeGaT Center for Human Genetics Tuebingen
Classification: Likely benign. Last evaluated: 2026-05-01. Review status: criteria provided, single submitter. Criteria: CeGaT Center For Human Genetics Tuebingen Variant Classification Criteria Version 2. Collection method: clinical testing. Allele origin: germline. Affected: yes. Observed: 2 variant alleles.
Comment: MATR3: BP4

Labcorp Genetics (formerly Invitae), Labcorp
Classification: Likely benign for Amyotrophic lateral sclerosis type 21. Last evaluated: 2025-07-29. Review status: criteria provided, single submitter. Criteria: Invitae Variant Classification Sherloc (09022015). Collection method: clinical testing. Allele origin: germline.

NM_018834.6(MATR3):c.2148+8_2148+11del

Genes: MATR3 (matrin 3; plus strand), LOC126807526 (CDK7 strongly-dependent group 2 enhancer GRCh37_chr5:138657767-138658966; plus strand). Cytogenetic location: 5q31.2.
Variant type: Microsatellite.
Coding change: c.2148+8_2148+11del on transcript NM_018834.6 (MANE Select); bases 8 to 11 of the intron after coding-DNA position 2148, 4 bases deleted (AAGA; older notation c.2148+8_2148+11delAAGA).
Molecular consequence: intron variant.
Genome position (GRCh38, 1-based): chr5:139,322,975-139,322,978, AAGA deleted; deleting any 4 consecutive bases within chr5:139,322,970-139,322,978 gives the same sequence; the c. name uses the placement nearest the transcript's 3' end. VCF-style (leftmost placement, unchanged base first): chr5-139322969-TAAAG-T. GRCh37 (hg19) VCF-style: chr5-138658658-TAAAG-T.
Other names: c.2148+8_2148+11delAAGA (NM_199189.2); c.2148+8_2148+11del (NM_199189.3, NM_001194954.2, NM_001194955.2); c.1134+8_1134+11del (NM_001282278.2); c.1284+8_1284+11del (NM_001194956.2).
Identifiers: ClinVar variation 790946 (VCV000790946.14), dbSNP rs745750214, ClinGen allele CA128238417.